The following is an entry in ClinVar:

NM_003924.4(PHOX2B):c.738_806del (p.Ala247_Pro269del)

Genes: PHOX2B (paired like homeobox 2B; minus strand), LOC110011216 (paired like homeobox 2b polyalanine repeat instability region; plus strand). Cytogenetic location: 4p13.
Variant type: Deletion.
Coding change: c.738_806del on transcript NM_003924.4 (MANE Select); coding-DNA positions 738 to 806, 69 bases deleted.
Protein change: p.Ala247_Pro269del.
Molecular consequence: inframe deletion. On other transcripts: inframe indel (1).
Genome position (GRCh38, 1-based): chr4:41,745,946-41,746,014, 69 bases deleted. GRCh37 (hg19): chr4:41,747,964-41,748,032.
Other names: c.738_806del69 (NM_003924.3).
Identifiers: ClinVar variation 1758615 (VCV001758615.4), dbSNP rs2552096788, ClinGen allele CA2580070995.

ClinVar aggregate classification (germline): Uncertain significance (1 of 4 stars; one submission).

Conditions:
Hereditary cancer-predisposing syndrome. Also called: Tumor predisposition; Hereditary Cancer Syndrome; Hereditary neoplastic syndrome; Neoplastic Syndromes, Hereditary. Identifiers: Orphanet 140162, MedGen C0027672, MeSH D009386, MONDO:0015356.

Submission:

Ambry Genetics
Classification: Uncertain significance for Hereditary cancer-predisposing syndrome. Last evaluated: 2025-12-17. Review status: criteria provided, single submitter. Criteria: Ambry Variant Classification Scheme 2023. Collection method: clinical testing. Allele origin: germline.
Comment: The c.738_806del69 variant (also known as p.A247_P269del) is located in coding exon 3 of the PHOX2B gene. This variant results from an in-frame deletion of 69 nucleotides at nucleotide positions 738 to 806. This results in the in-frame deletion of 22 residues from codons 247 to 269. This amino acid region is well conserved in available vertebrate species. Based on the available evidence, the clinical significance of this variant remains unclear.